The following is an entry in ClinVar:

ClinVar aggregate classification (germline): Likely pathogenic (1 of 4 stars; one submission).

Conditions:
Hearing loss, autosomal recessive 121. Also called: Deafness, autosomal recessive 121. Identifiers: MedGen C5882709, MONDO:0957825, OMIM 620551.

Submission:

3billion
Classification: Likely pathogenic for Hearing loss, autosomal recessive 121. Last evaluated: 2025-01-14. Review status: criteria provided, single submitter. Criteria: ACMG Guidelines, 2015. Collection method: clinical testing. Allele origin: germline. Affected: yes.
Comment: The variant is not observed in the gnomAD v4.1.0 dataset. Predicted Consequence/Location: Canonical splice site: predicted to alter splicing and result in a loss or disruption of normal protein function. Multiple pathogenic loss-of-function variants are reported downstream of the variant. In silico tools predict the variant to alter splicing and produce an abnormal transcript [SpliceAI: 0.90 (spliceogenicity >=0.2, non-spliceogenicity <0.1)]. Therefore, this variant is classified as Likely pathogenic according to the recommendation of ACMG/AMP guideline.

NM_153002.3(GPR156):c.696+1G>T

Gene: GPR156 (G protein-coupled receptor 156; minus strand). Cytogenetic location: 3q13.33.
Variant type: single nucleotide variant.
Coding change: c.696+1G>T on transcript NM_153002.3 (MANE Select); the canonical splice donor site of the intron after coding-DNA position 696, G replaced by T.
Molecular consequence: splice donor variant.
Genome position (GRCh38, 1-based): chr3:120,185,298, C>A on the plus strand (G>T on the coding strand, the complement: GPR156 is on the minus strand). VCF-style: chr3-120185298-C-A. GRCh37 (hg19) VCF-style: chr3-119904145-C-A.
Other names: c.684+1G>T (NM_001168271.2).
Identifiers: ClinVar variation 4292205 (VCV004292205.1).
Genomic context (GRCh38, chr3:120,185,298, plus strand): 5'-TAATTCCCTCTTCATATCCATTTTCTTGGTGACAGAGACCATATCAGATGTGGTTACCAA[C>A]CTTGCATCCCCAAATGAGAGCAATCCAAACATCGGAATACCGGGAAGCACAGAAGTGGGT-3'